The following is an entry in ClinVar:

NM_018979.4(WNK1):c.1787C>T (p.Ser596Phe)

Gene: WNK1 (WNK lysine deficient protein kinase 1; plus strand). Cytogenetic location: 12p13.33.
Variant type: single nucleotide variant.
Coding change: c.1787C>T on transcript NM_018979.4 (MANE Select); coding-DNA position 1787, C replaced by T.
Protein change: p.Ser596Phe; replaces serine 596 with phenylalanine.
Molecular consequence: missense variant.
Genome position (GRCh38, 1-based): chr12:861,179, C>T. VCF-style: chr12-861179-C-T. GRCh37 (hg19) VCF-style: chr12-970345-C-T.
Other names: c.1787C>T, p.Ser596Phe (NM_001184985.2, NM_014823.3, NM_213655.5); short protein forms S596F.
Identifiers: ClinVar variation 574105 (VCV000574105.13), dbSNP rs144114167, ClinGen allele CA6382031.

ClinVar aggregate classification (germline): Uncertain significance. Review status: criteria provided, multiple submitters, no conflicts (2 of 4 stars). 4 submissions from 4 submitters: Uncertain significance (4). Last evaluated 2026-09-10.

Conditions:
Pseudohypoaldosteronism type 2C (PHA2C). Also called: Pseudohypoaldosteronism Type IIC. Identifiers: Orphanet 757, Orphanet 88940, MedGen C1840391, MONDO:0013778, OMIM 614492.
Neuropathy, hereditary sensory and autonomic, type 2A (HSAN2A). Also called: ACROOSTEOLYSIS, GIACCAI TYPE; ACROOSTEOLYSIS, NEUROGENIC; HSAN IIA; WNK1-Related HSAN2 (HSAN2A); MORVAN DISEASE; NEUROPATHY, CONGENITAL SENSORY. Identifiers: Orphanet 970, MedGen C2752089, MONDO:0024309, OMIM 201300.
WNK1-related disorder. Also called: WNK1-related condition.
Inborn genetic diseases. Identifiers: MedGen C0950123, MeSH D030342.

Allele frequency attached by ClinVar (database versions not stated): ExAC 0.00003; gnomAD 0.00003; gnomAD exomes 0.00004; ESP Exome Variant Server 0.00008.
gnomAD v4.1: 53 of 1,613,854 alleles (0.0033%); highest among the groups gnomAD compares: Non-Finnish European, 0.0041%; no homozygotes.

Submissions (4):

PreventionGenetics, part of Exact Sciences
Classification: Uncertain significance for WNK1-related condition. Last evaluated: 2026-09-10. Review status: criteria provided, single submitter. Criteria: ACMG Guidelines, 2015. Collection method: clinical testing. Allele origin: germline.
Comment: The WNK1 c.1787C>T variant is predicted to result in the amino acid substitution p.Ser596Phe. To our knowledge, this variant has not been reported in the literature. This variant is reported in 0.0071% of alleles in individuals of European (Non-Finnish) descent in gnomAD. At this time, the clinical significance of this variant is uncertain due to the absence of conclusive functional and genetic evidence.

Labcorp Genetics (formerly Invitae), Labcorp
Classification: Uncertain significance for Neuropathy, hereditary sensory and autonomic, type 2A; Pseudohypoaldosteronism type 2C. Last evaluated: 2026-01-12. Review status: criteria provided, single submitter. Criteria: Invitae Variant Classification Sherloc (09022015). Collection method: clinical testing. Allele origin: germline.
Comment: This sequence change replaces serine, which is neutral and polar, with phenylalanine, which is neutral and non-polar, at codon 596 of the WNK1 protein (p.Ser596Phe). This variant is present in population databases (rs144114167, gnomAD 0.006%). This variant has not been reported in the literature in individuals affected with WNK1-related conditions. ClinVar contains an entry for this variant (Variation ID: 574105). Invitae Evidence Modeling of protein sequence and biophysical properties (such as structural, functional, and spatial information, amino acid conservation, physicochemical variation, residue mobility, and thermodynamic stability) indicates that this missense variant is not expected to disrupt WNK1 protein function with a negative predictive value of 95%. In summary, the available evidence is currently insufficient to determine the role of this variant in disease. Therefore, it has been classified as a Variant of Uncertain Significance.

Fulgent Genetics
Classification: Uncertain significance for Neuropathy, hereditary sensory and autonomic, type 2A; Pseudohypoaldosteronism type 2C. Last evaluated: 2024-05-09. Review status: criteria provided, single submitter. Criteria: ACMG Guidelines, 2015. Collection method: clinical testing. Allele origin: germline.

Ambry Genetics
Classification: Uncertain significance for Inborn genetic diseases. Last evaluated: 2022-02-28. Review status: criteria provided, single submitter. Criteria: Ambry Variant Classification Scheme 2023. Collection method: clinical testing. Allele origin: germline.
Comment: The p.S596F variant (also known as c.1787C>T), located in coding exon 7 of the WNK1 gene, results from a C to T substitution at nucleotide position 1787. The serine at codon 596 is replaced by phenylalanine, an amino acid with highly dissimilar properties. This amino acid position is not well conserved in available vertebrate species. In addition, this alteration is predicted to be tolerated by in silico analysis. Since supporting evidence is limited at this time, the clinical significance of this alteration remains unclear.